The following is an entry in ClinVar:

NM_000548.5(TSC2):c.4869C>G (p.Thr1623=)

Gene: TSC2 (TSC complex subunit 2; plus strand). Cytogenetic location: 16p13.3.
Variant type: single nucleotide variant.
Coding change: c.4869C>G on transcript NM_000548.5 (MANE Select); coding-DNA position 4869, C replaced by G.
Protein change: p.Thr1623=; no amino-acid change (threonine 1623 retained).
Molecular consequence: synonymous variant.
Genome position (GRCh38, 1-based): chr16:2,086,751, C>G. VCF-style: chr16-2086751-C-G. GRCh37 (hg19) VCF-style: chr16-2136752-C-G.
Other names: c.4668C>G, p.Thr1556= (NM_001077183.3); c.4800C>G, p.Thr1600= (NM_001114382.3); c.4560C>G, p.Thr1520= (NM_001318827.2); c.4524C>G, p.Thr1508= (NM_001318829.2); c.4137C>G, p.Thr1379= (NM_001318831.2); c.4701C>G, p.Thr1567= (NM_001318832.2); c.4671C>G, p.Thr1557= (NM_001363528.2); c.4737C>G, p.Thr1579= (NM_001370404.1); and 1 more.
Identifiers: ClinVar variation 413706 (VCV000413706.16), dbSNP rs150239180, ClinGen allele CA16615038.

ClinVar aggregate classification (germline): Benign/Likely benign. Review status: criteria provided, multiple submitters, no conflicts (2 of 4 stars). 4 submissions from 4 submitters: Benign (1); Likely benign (3). Last evaluated 2025-11-05.

Conditions:
Hereditary cancer-predisposing syndrome. Also called: Tumor predisposition; Neoplastic Syndromes, Hereditary; Hereditary Cancer Syndrome; Hereditary neoplastic syndrome. Identifiers: Orphanet 140162, MedGen C0027672, MeSH D009386, MONDO:0015356.
Tuberous sclerosis syndrome (TSC). Also called: Tuberous Sclerosis Complex; Tuberous sclerosis. Identifiers: Orphanet 805, MedGen C0041341, MONDO:0001734.
Tuberous sclerosis 2 (TSC2). Identifiers: Orphanet 805, MedGen C1860707, MONDO:0013199, OMIM 613254.

gnomAD v4.1: 1 of 1,610,842 alleles (0.000062%); highest among the groups gnomAD compares: Admixed American, 0.0017%; no homozygotes.

Submissions (4):

Labcorp Genetics (formerly Invitae), Labcorp
Classification: Likely benign for Tuberous sclerosis 2. Last evaluated: 2025-11-05. Review status: criteria provided, single submitter. Criteria: Invitae Variant Classification Sherloc (09022015). Collection method: clinical testing. Allele origin: germline.

Myriad Genetics, Inc.
Classification: Benign for Tuberous sclerosis 2. Last evaluated: 2025-06-05. Review status: criteria provided, single submitter. Criteria: Myriad Autosomal Dominant, Autosomal Recessive and X-Linked Classification Criteria (2023). Collection method: clinical testing. Allele origin: unknown.
Comment: This variant is considered benign. This variant is a silent/synonymous amino acid change and it is not expected to impact splicing.

All of Us Research Program, National Institutes of Health
Classification: Likely benign for Tuberous sclerosis syndrome. Last evaluated: 2023-12-13. Review status: criteria provided, single submitter. Criteria: ACMG Guidelines, 2015. Collection method: clinical testing. Allele origin: germline. Inheritance: Autosomal dominant inheritance. Observed: 2 variant alleles, 2 heterozygotes.
Comment: This study involves interpretation of variants in research participants for the purpose of population health screening. Participant phenotype was not available at the time of variant classification. Additional details can be found in publication PMID: 35346344, PMCID: PMC8962531

Ambry Genetics
Classification: Likely benign for Hereditary cancer-predisposing syndrome. Last evaluated: 2020-11-17. Review status: criteria provided, single submitter. Criteria: Ambry Variant Classification Scheme 2023. Collection method: clinical testing. Allele origin: germline.